The following is an entry in ClinVar:

NM_020166.5(MCCC1):c.273+1G>C

Gene: MCCC1 (methylcrotonyl-CoA carboxylase subunit 1; minus strand). Cytogenetic location: 3q27.1.
Variant type: single nucleotide variant.
Coding change: c.273+1G>C on transcript NM_020166.5 (MANE Select); the canonical splice donor site of the intron after coding-DNA position 273, G replaced by C.
Molecular consequence: splice donor variant. On other transcripts: intron variant (2).
Genome position (GRCh38, 1-based): chr3:183,092,408, C>G on the plus strand (G>C on the coding strand, the complement: MCCC1 is on the minus strand). VCF-style: chr3-183092408-C-G. GRCh37 (hg19) VCF-style: chr3-182810196-C-G.
Other names: c.-55+2151G>C (NM_001363880.1); c.44+2151G>C (NM_001293273.2); c.273+1G>C (NM_020166.4).
Identifiers: ClinVar variation 2915992 (VCV002915992.4), dbSNP rs2530508699, ClinGen allele CA355321482.
Genomic context (GRCh38, chr3:183,092,408, plus strand): 5'-GAAAATACTGACACAGTAAACGAATAAACGTAAGACGTGGCTTCCAATTTTTAACACATA[C>G]CATATCTACATGCATGGAATTTCTGTCAGCCTCACTATAAACCGCCACAGTCTGTACACC-3'

ClinVar aggregate classification (germline): Likely pathogenic. Review status: criteria provided, multiple submitters, no conflicts (2 of 4 stars). 2 submissions from 2 submitters: Likely pathogenic (2). Last evaluated 2025-04-02.

Conditions:
3-methylcrotonyl-CoA carboxylase 1 deficiency (MCC1D). Also called: MCCD TYPE 1; METHYLCROTONYLGLYCINURIA TYPE I; MCC 1 deficiency; 3 Alpha methylcrotonylglycinuria 1. Identifiers: Orphanet 6, MedGen CN028786, MONDO:0008861, OMIM 210200.

Allele frequency attached by ClinVar (database versions not stated): gnomAD exomes below 0.00001.
gnomAD v4.1: 1 of 1,614,172 alleles (0.000062%); highest among the groups gnomAD compares: Non-Finnish European, 0.000085%; no homozygotes.

Submissions (2):

Natera, Inc.
Classification: Likely pathogenic for 3-methylcrotonyl-CoA carboxylase 1 deficiency. Last evaluated: 2025-04-02. Review status: criteria provided, single submitter. Criteria: Natera Variant Classification Schema (03/2026). Collection method: clinical testing. Allele origin: germline.
Comment: The c.273+1G>C variant in MCCC1 is a canonical splice donor site variant predicted to affect pre-mRNA splicing, which may result in an abnormal transcript and altered protein product. This variant is expected to result in nonsense mediated decay, truncation, or a dysfunctional protein product. This variant is rare in the general population with a frequency below the threshold expected for the associated phenotype(s). Given the available evidence, this variant is classified as Likely Pathogenic.

Labcorp Genetics (formerly Invitae), Labcorp
Classification: Likely pathogenic for 3-methylcrotonyl-CoA carboxylase 1 deficiency. Last evaluated: 2023-12-04. Review status: criteria provided, single submitter. Criteria: Invitae Variant Classification Sherloc (09022015). Collection method: clinical testing. Allele origin: germline.
Comment: This sequence change affects a donor splice site in intron 3 of the MCCC1 gene. It is expected to disrupt RNA splicing. Variants that disrupt the donor or acceptor splice site typically lead to a loss of protein function (PMID: 16199547), and loss-of-function variants in MCCC1 are known to be pathogenic (PMID: 11181649, 15359379, 22642865). This variant is not present in population databases (gnomAD no frequency). This variant has not been reported in the literature in individuals affected with MCCC1-related conditions. Algorithms developed to predict the effect of sequence changes on RNA splicing suggest that this variant may disrupt the consensus splice site. In summary, the currently available evidence indicates that the variant is pathogenic, but additional data are needed to prove that conclusively. Therefore, this variant has been classified as Likely Pathogenic.

Literature cited by the submitters: PubMed 16199547 (cited by Labcorp Genetics (formerly Invitae), Labcorp); PubMed 11181649 (cited by Labcorp Genetics (formerly Invitae), Labcorp); PubMed 15359379 (cited by Labcorp Genetics (formerly Invitae), Labcorp); PubMed 22642865 (cited by Labcorp Genetics (formerly Invitae), Labcorp).